The following is an entry in ClinVar:

ClinVar aggregate classification (germline): Likely benign (1 of 4 stars; one submission).

Conditions:
SNX14-related disorder. Also called: SNX14-related condition.

gnomAD v4.1: 5 of 1,613,852 alleles (0.00031%); highest among the groups gnomAD compares: African/African-American, 0.0053%; no homozygotes.

Submission:

PreventionGenetics, part of Exact Sciences
Classification: Likely benign for SNX14-related condition. Last evaluated: 2026-06-19. Review status: criteria provided, single submitter. Criteria: ACMG Guidelines, 2015. Collection method: clinical testing. Allele origin: germline.
Comment: This variant is classified as likely benign based on ACMG/AMP sequence variant interpretation guidelines (Richards et al. 2015 PMID: 25741868, with internal and published modifications).

NM_153816.6(SNX14):c.1056C>T (p.Asn352=)

Gene: SNX14 (sorting nexin 14; minus strand). Cytogenetic location: 6q14.3.
Variant type: single nucleotide variant.
Coding change: c.1056C>T on transcript NM_153816.6 (MANE Select); coding-DNA position 1056, C replaced by T.
Protein change: p.Asn352=; no amino-acid change (asparagine 352 retained).
Molecular consequence: synonymous variant. On other transcripts: 5 prime UTR variant (6), non-coding transcript variant (6).
Genome position (GRCh38, 1-based): chr6:85,547,164, G>A on the plus strand (C>T on the coding strand, the complement: SNX14 is on the minus strand). VCF-style: chr6-85547164-G-A. GRCh37 (hg19) VCF-style: chr6-86256882-G-A.
Other names: c.1056C>T, p.Asn352= (NM_001297614.3, NM_001350540.2, NM_001350541.2); c.900C>T, p.Asn300= (NM_001304479.2); c.1119C>T, p.Asn373= (NM_001350532.2); c.1053C>T, p.Asn351= (NM_001350533.2, NM_001350534.2, NM_001350535.2); c.924C>T, p.Asn308= (NM_001350536.2, NM_020468.6); c.921C>T, p.Asn307= (NM_001350537.2); c.912C>T, p.Asn304= (NM_001350538.2); c.897C>T, p.Asn299= (NM_001350539.2); and 7 more.
Identifiers: ClinVar variation 4983742 (VCV004983742.1).